The following is an entry in ClinVar:

ClinVar aggregate classification (germline): Uncertain significance (1 of 4 stars; one submission).

Conditions:
Early-infantile DEE. Also called: Early infantile epileptic encephalopathy; Ohtahara syndrome; Early infantile epileptic encephalopathy with suppression bursts. Identifiers: Orphanet 1934, MedGen C0393706, MONDO:0800491.

Submission:

Labcorp Genetics (formerly Invitae), Labcorp
Classification: Uncertain significance for Early-infantile DEE. Last evaluated: 2024-04-05. Review status: criteria provided, single submitter. Criteria: Invitae Variant Classification Sherloc (09022015). Collection method: clinical testing. Allele origin: germline.
Comment: This sequence change replaces leucine, which is neutral and non-polar, with phenylalanine, which is neutral and non-polar, at codon 265 of the HCN1 protein (p.Leu265Phe). This variant is not present in population databases (gnomAD no frequency). This variant has not been reported in the literature in individuals affected with HCN1-related conditions. Advanced modeling of protein sequence and biophysical properties (such as structural, functional, and spatial information, amino acid conservation, physicochemical variation, residue mobility, and thermodynamic stability) performed at Invitae indicates that this missense variant is expected to disrupt HCN1 protein function with a positive predictive value of 80%. In summary, the available evidence is currently insufficient to determine the role of this variant in disease. Therefore, it has been classified as a Variant of Uncertain Significance.

NM_021072.4(HCN1):c.793C>T (p.Leu265Phe)

Gene: HCN1 (hyperpolarization activated cyclic nucleotide gated potassium channel 1; minus strand). Cytogenetic location: 5p12.
Variant type: single nucleotide variant.
Coding change: c.793C>T on transcript NM_021072.4 (MANE Select); coding-DNA position 793, C replaced by T.
Protein change: p.Leu265Phe; replaces leucine 265 with phenylalanine.
Molecular consequence: missense variant.
Genome position (GRCh38, 1-based): chr5:45,645,241, G>A on the plus strand (C>T on the coding strand, the complement: HCN1 is on the minus strand). VCF-style: chr5-45645241-G-A. GRCh37 (hg19) VCF-style: chr5-45645343-G-A.
Other names: short protein forms L265F.
Identifiers: ClinVar variation 3648849 (VCV003648849.2).